The following is an entry in ClinVar:

NM_000404.4(GLB1):c.1225del (p.Gln408_Val409insTer)

Gene: GLB1 (galactosidase beta 1; minus strand). Cytogenetic location: 3p22.3.
Variant type: Deletion.
Coding change: c.1225del on transcript NM_000404.4 (MANE Select); coding-DNA position 1225, one base deleted (G; older notation c.1225delG).
Protein change: p.Gln408_Val409insTer.
Molecular consequence: nonsense.
Genome position (GRCh38, 1-based): chr3:33,021,574, C deleted on the plus strand (G on the coding strand, the reverse complement: GLB1 is on the minus strand); the first of 2 consecutive C bases (chr3:33,021,574-33,021,575); deleting either gives the same sequence. VCF-style (leftmost placement, unchanged base first): chr3-33021573-AC-A. GRCh37 (hg19) VCF-style: chr3-33063065-AC-A.
Other names: c.1135del, p.Gln378_Val379insTer (NM_001079811.3); c.832del, p.Gln277_Val278insTer (NM_001135602.3); c.1369del, p.Gln456_Val457insTer (NM_001317040.2); c.1225del, p.Gln408_Val409insTer (NM_001393580.1).
Identifiers: ClinVar variation 2947807 (VCV002947807.3), dbSNP rs2471270755, ClinGen allele CA2740094330.

ClinVar aggregate classification (germline): Pathogenic (1 of 4 stars; one submission).

Conditions:
Mucopolysaccharidosis, MPS-IV-B (MPS4B). Also called: Mucopolysaccharidosis type 4B; Mucopolysaccharidosis type IVB (Morquio); MPS IVB; MORQUIO SYNDROME B; Mucopolysaccharidosis type IV B; Mucopolysaccharidosis Type IVB. Identifiers: Orphanet 309310, Orphanet 582, MedGen C0086652, MONDO:0009660, OMIM 253010.
GM1 gangliosidosis. Identifiers: Orphanet 354, MedGen C0085131, MONDO:0018149.

Submission:

Labcorp Genetics (formerly Invitae), Labcorp
Classification: Pathogenic for Mucopolysaccharidosis, MPS-IV-B; GM1 gangliosidosis. Last evaluated: 2023-05-16. Review status: criteria provided, single submitter. Criteria: Invitae Variant Classification Sherloc (09022015). Collection method: clinical testing. Allele origin: germline.
Comment: This variant has not been reported in the literature in individuals affected with GLB1-related conditions. For these reasons, this variant has been classified as Pathogenic. This variant is not present in population databases (gnomAD no frequency). This sequence change creates a premature translational stop signal (p.Val409*) in the GLB1 gene. It is expected to result in an absent or disrupted protein product. Loss-of-function variants in GLB1 are known to be pathogenic (PMID: 18524657).

Literature cited by the submitters: PubMed 18524657.